The following is an entry in ClinVar:

ClinVar aggregate classification (germline): Uncertain significance (1 of 4 stars; one submission).

Allele frequency attached by ClinVar (database versions not stated): ESP Exome Variant Server 0.00008.
gnomAD v4.1: 17 of 1,607,252 alleles (0.0011%); highest among the groups gnomAD compares: Non-Finnish European, 0.0014%; no homozygotes.

Submission:

Labcorp Genetics (formerly Invitae), Labcorp
Classification: Uncertain significance. Last evaluated: 2025-07-06. Review status: criteria provided, single submitter. Criteria: Invitae Variant Classification Sherloc (09022015). Collection method: clinical testing. Allele origin: germline.
Comment: This sequence change falls in intron 8 of the NLRP1 gene. It does not directly change the encoded amino acid sequence of the NLRP1 protein. It affects a nucleotide within the consensus splice site. This variant is present in population databases (rs371795707, gnomAD 0.003%). This variant has not been reported in the literature in individuals affected with NLRP1-related conditions. ClinVar contains an entry for this variant (Variation ID: 2961790). Variants that disrupt the consensus splice site are a relatively common cause of aberrant splicing (PMID: 17576681, 9536098). Algorithms developed to predict the effect of sequence changes on RNA splicing suggest that this variant is not likely to affect RNA splicing. In summary, the available evidence is currently insufficient to determine the role of this variant in disease. Therefore, it has been classified as a Variant of Uncertain Significance.

Literature cited by the submitters: PubMed 17576681; PubMed 9536098.

NM_033004.4(NLRP1):c.2960+6G>A

Gene: NLRP1 (NLR family pyrin domain containing 1; minus strand). Cytogenetic location: 17p13.2.
Variant type: single nucleotide variant.
Coding change: c.2960+6G>A on transcript NM_033004.4 (MANE Select); 6 bases into the intron after coding-DNA position 2960, G replaced by A.
Molecular consequence: intron variant.
Genome position (GRCh38, 1-based): chr17:5,536,845, C>T on the plus strand (G>A on the coding strand, the complement: NLRP1 is on the minus strand). VCF-style: chr17-5536845-C-T. GRCh37 (hg19) VCF-style: chr17-5440165-C-T.
Other names: c.2960+6G>A (NM_001033053.3, NM_014922.5); c.2870+2570G>A (NM_033007.4, NM_033006.4).
Identifiers: ClinVar variation 2961790 (VCV002961790.3), dbSNP rs371795707, ClinGen allele CA8326996.